The following is an entry in ClinVar:

NM_003680.4(YARS1):c.1066A>C (p.Lys356Gln)

Gene: YARS1 (tyrosyl-tRNA synthetase 1; minus strand). Cytogenetic location: 1p35.1.
Variant type: single nucleotide variant.
Coding change: c.1066A>C on transcript NM_003680.4 (MANE Select); coding-DNA position 1066, A replaced by C.
Protein change: p.Lys356Gln; replaces lysine 356 with glutamine.
Molecular consequence: missense variant.
Genome position (GRCh38, 1-based): chr1:32,781,122, T>G on the plus strand (A>C on the coding strand, the complement: YARS1 is on the minus strand). VCF-style: chr1-32781122-T-G. GRCh37 (hg19) VCF-style: chr1-33246723-T-G.
Other names: short protein forms K356Q.
Identifiers: ClinVar variation 3686307 (VCV003686307.2).

ClinVar aggregate classification (germline): Uncertain significance (1 of 4 stars; one submission).

Conditions:
Charcot-Marie-Tooth disease dominant intermediate C (CMTDIC). Also called: CHARCOT-MARIE-TOOTH NEUROPATHY, DOMINANT INTERMEDIATE C. Identifiers: Orphanet 100045, MedGen C1842237, MONDO:0012012, OMIM 608323.

Submission:

Labcorp Genetics (formerly Invitae), Labcorp
Classification: Uncertain significance for Charcot-Marie-Tooth disease dominant intermediate C. Last evaluated: 2024-06-26. Review status: criteria provided, single submitter. Criteria: Invitae Variant Classification Sherloc (09022015). Collection method: clinical testing. Allele origin: germline.
Comment: This sequence change replaces lysine, which is basic and polar, with glutamine, which is neutral and polar, at codon 356 of the YARS protein (p.Lys356Gln). This variant is present in population databases (rs778806375, gnomAD 0.006%). This variant has not been reported in the literature in individuals affected with YARS-related conditions. Advanced modeling of protein sequence and biophysical properties (such as structural, functional, and spatial information, amino acid conservation, physicochemical variation, residue mobility, and thermodynamic stability) performed at Invitae indicates that this missense variant is not expected to disrupt YARS protein function with a negative predictive value of 80%. In summary, the available evidence is currently insufficient to determine the role of this variant in disease. Therefore, it has been classified as a Variant of Uncertain Significance.